The following is an entry in ClinVar:

NM_005816.5(CD96):c.544-1477_544-1459del

Gene: CD96 (CD96 molecule; plus strand). Cytogenetic location: 3q13.13.
Variant type: Deletion.
Coding change: c.544-1477_544-1459del on transcript NM_005816.5 (MANE Select); 1477 bases into the intron before coding-DNA position 544 through 1459 bases into the intron before coding-DNA position 544, 19 bases deleted (GTATGTAAATTGCTGCAGG).
Molecular consequence: intron variant. On other transcripts: splice donor variant (1).
Genome position (GRCh38, 1-based): chr3:111,577,550-111,577,568, GTATGTAAATTGCTGCAGG deleted; deleting any 19 consecutive bases within chr3:111,577,549-111,577,568 gives the same sequence; the c. name uses the placement nearest the transcript's 3' end. VCF-style (leftmost placement, unchanged base first): chr3-111577548-AGGTATGTAAATTGCTGCAG-A. GRCh37 (hg19) VCF-style: chr3-111296395-AGGTATGTAAATTGCTGCAG-A.
Other names: c.591+1_591+19del (NM_198196.3); c.544-1477_544-1459del (NM_001318889.2).
Identifiers: ClinVar variation 1064615 (VCV001064615.3), dbSNP rs2107579299, ClinGen allele CA2499216398.

ClinVar aggregate classification (germline): Uncertain significance (1 of 4 stars; one submission).

Conditions:
C syndrome. Also called: OPITZ TRIGONOCEPHALY SYNDROME; TRIGONOCEPHALY SYNDROME. Identifiers: Orphanet 1308, MedGen C0796095, MONDO:0008893, OMIM 211750.

Submission:

Kids Neuroscience Centre, Sydney Children's Hospitals Network
Classification: Uncertain significance for C syndrome. Review status: criteria provided, single submitter. Criteria: Bournazos AM et al. (Genet Med 2021). Collection method: clinical testing. Allele origin: paternal, unknown. Inheritance: Autosomal dominant inheritance. Affected: yes and no. Observed: 2 heterozygotes.
Comment: Exon-4 skipping is in frame (p.(Asn183_Glu198del)) and is a naturally occurring event observed consistently in multiple controls in multiple tissues. Data-mining RNA sequencing establishes exon 4 is present only within a minor proportion of transcripts (10 – 20%) in different tissues (blood, intestine, lung, spleen – reads were too low in brain to assess exon 4 inclusion). RT-PCR results suggest the c.591+1_591+19del variant produces only transcripts with exon-4 skipping. However, we are unable to provide definitive evidence that there is no exon 3-4-5 splicing from the c.591+1_591+19del variant allele without another single nucleotide variant in CD96 coding exons (unfortunately, there are none). Inclusion of exon 4 is known to modulate the interaction of CD96 with its main ligand, CD155 (Meyer et al, 2009). Unable to formatively advise upon the biological significance of monoallelic loss of exon 4 expression.